The following is an entry in ClinVar:

NM_000112.4(SLC26A2):c.-183G>C

Gene: SLC26A2 (solute carrier family 26 member 2; plus strand). Cytogenetic location: 5q32.
Variant type: single nucleotide variant.
Coding change: c.-183G>C on transcript NM_000112.4 (MANE Select); 183 bases upstream of the start codon, G replaced by C.
Molecular consequence: 5 prime UTR variant.
Genome position (GRCh38, 1-based): chr5:149,960,822, G>C. VCF-style: chr5-149960822-G-C. GRCh37 (hg19) VCF-style: chr5-149340385-G-C.
Identifiers: ClinVar variation 352017 (VCV000352017.5), dbSNP rs540241474, ClinGen allele CA10623607.

ClinVar aggregate classification (germline): Conflicting classifications of pathogenicity. Review status: criteria provided, conflicting classifications (1 of 4 stars). 5 submissions from 1 submitter: Uncertain significance (3); Likely benign (2). Last evaluated 2018-01-13.

Conditions:
Sulfate transporter-related osteochondrodysplasia. Also called: DTDST-related dysplasias. Identifiers: MedGen CN120497. Disease mechanism: loss of function.
Achondrogenesis, type IB (ACG1B). Also called: Achondrogenesis Type 1B. Identifiers: Orphanet 932, Orphanet 93298, MedGen C0265274, MONDO:0010966, OMIM 600972.
Atelosteogenesis type II (AO2). Also called: NEONATAL OSSEOUS DYSPLASIA I; Neonatal osseous dysplasia 1; SLC26A2-Related Atelosteogenesis. Identifiers: Orphanet 56304, MedGen C1850554, MONDO:0009727, OMIM 256050.
Multiple epiphyseal dysplasia type 4 (EDM4). Also called: MULTIPLE EPIPHYSEAL DYSPLASIA WITH BILAYERED PATELLAE; MULTIPLE EPIPHYSEAL DYSPLASIA WITH CLUBFOOT; MULTIPLE EPIPHYSEAL DYSPLASIA, AUTOSOMAL RECESSIVE; SLC26A2-Related Multiple Epiphyseal Dysplasia; Multiple Epiphyseal Dysplasia, Recessive. Identifiers: Orphanet 93307, MedGen C1847593, MONDO:0009189, OMIM 226900.
Diastrophic dysplasia (DTD). Also called: Diastrophic dwarfism. Identifiers: Orphanet 628, MedGen C0220726, MONDO:0009107, OMIM 222600.

Allele frequency attached by ClinVar (database versions not stated): 1000 Genomes Project 0.00160; 1000 Genomes Project 30x 0.00219; gnomAD 0.00338; gnomAD exomes 0.00926.
gnomAD v4.1: 606 of 152,476 alleles (0.4%); highest among the groups gnomAD compares: Admixed American, 0.7%; 3 homozygotes.

Submissions (5):

Illumina Laboratory Services, Illumina
Classification: Uncertain significance for Osteochondrodysplasia. Last evaluated: 2018-01-13. Review status: criteria provided, single submitter. Criteria: ICSL Variant Classification Criteria 13 December 2019. Collection method: clinical testing. Allele origin: germline.

Illumina Laboratory Services, Illumina
Classification: Likely benign for Atelosteogenesis type II. Last evaluated: 2018-01-13. Review status: criteria provided, single submitter. Criteria: ICSL Variant Classification Criteria 13 December 2019. Collection method: clinical testing. Allele origin: germline.
Comment: This variant was observed in the ICSL laboratory as part of a predisposition screen in an ostensibly healthy population. It had not been previously curated by ICSL or reported in the Human Gene Mutation Database (HGMD: prior to June 1st, 2018), and was therefore a candidate for classification through an automated scoring system. Utilizing variant allele frequency, disease prevalence and penetrance estimates, and inheritance mode, an automated score was calculated to assess if this variant is too frequent to cause the disease. Based on the score and internal cut-off values, a variant classified as likely benign is not then subjected to further curation. The score for this variant resulted in a classification of likely benign for this disease.

Illumina Laboratory Services, Illumina
Classification: Uncertain significance for Multiple epiphyseal dysplasia type 4. Last evaluated: 2018-01-13. Review status: criteria provided, single submitter. Criteria: ICSL Variant Classification Criteria 13 December 2019. Collection method: clinical testing. Allele origin: germline.

Illumina Laboratory Services, Illumina
Classification: Uncertain significance for Diastrophic dysplasia. Last evaluated: 2018-01-13. Review status: criteria provided, single submitter. Criteria: ICSL Variant Classification Criteria 13 December 2019. Collection method: clinical testing. Allele origin: germline.

Illumina Laboratory Services, Illumina
Classification: Likely benign for Achondrogenesis, type IB. Last evaluated: 2018-01-13. Review status: criteria provided, single submitter. Criteria: ICSL Variant Classification Criteria 13 December 2019. Collection method: clinical testing. Allele origin: germline.
Comment: the same text as in the submission from Illumina Laboratory Services, Illumina above.